The following is an entry in ClinVar:

NC_012920.1(MT-CYB):m.15357G>A

Gene: MT-CYB (mitochondrially encoded cytochrome b; plus strand).
Variant type: single nucleotide variant.
Genome position: chrM-15357-G-A.
Identifiers: ClinVar variation 693871 (VCV000693871.1), dbSNP rs1603225244, ClinGen allele CA645611459.

ClinVar aggregate classification (germline): Uncertain significance (1 of 4 stars; one submission).

Conditions:
Leigh syndrome (NULS). Also called: Leigh's necrotizing encephalopathy; Leigh's disease; Leigh's syndrome; LEIGH SYNDROME, NUCLEAR; Leigh Syndrome (mtDNA deletion); Leigh Disease. Identifiers: Orphanet 506, MedGen C2931891, MONDO:0009723, OMIM 256000.

Submission:

Wong Mito Lab, Molecular and Human Genetics, Baylor College of Medicine
Classification: Uncertain significance for Leigh syndrome. Last evaluated: 2019-10-17. Review status: criteria provided, single submitter. Criteria: Modified ACMG Guidelines (Unpublished). Collection method: clinical testing. Allele origin: germline.
Comment: The NC_012920.1:m.15357G>A (YP_003024038.1:p.Gly204Glu) variant in MTCYB gene is interpretated to be a Uncertain Significance variant based on the modified ACMG guidelines (unpublished). This variant meets the following evidence codes: PP6, PP7